The following is an entry in ClinVar:

ClinVar aggregate classification (germline): Uncertain significance (1 of 4 stars; one submission).

Conditions:
Epilepsy, early-onset, with or without developmental delay. Identifiers: MedGen C5882670, MONDO:0030005, OMIM 618832.
Neurodevelopmental disorder with speech impairment and dysmorphic facies. Identifiers: MedGen C5436699, MONDO:0033630, OMIM 619056.

gnomAD v4.1: 1 of 1,614,162 alleles (0.000062%); highest among the groups gnomAD compares: Non-Finnish European, 0.000085%; no homozygotes.

Submission:

Institute of Human Genetics, Clinical Exome/Genome Diagnostics Group, University Hospital Bonn
Classification: Uncertain significance for Epilepsy, early-onset, with or without developmental delay; Neurodevelopmental disorder with speech impairment and dysmorphic facies. Last evaluated: 2024-12-02. Review status: criteria provided, single submitter. Criteria: ACMG Guidelines, 2015. Collection method: clinical testing. Allele origin: inherited. Inheritance: Autosomal dominant inheritance. Observed: 1 heterozygote.
Comment: PM1, PP3

NM_014712.3(SETD1A):c.4763T>C (p.Ile1588Thr)

Gene: SETD1A (SET domain containing 1A, histone lysine methyltransferase; plus strand). Cytogenetic location: 16p11.2.
Variant type: single nucleotide variant.
Coding change: c.4763T>C on transcript NM_014712.3 (MANE Select); coding-DNA position 4763, T replaced by C.
Protein change: p.Ile1588Thr; replaces isoleucine 1588 with threonine.
Molecular consequence: missense variant.
Genome position (GRCh38, 1-based): chr16:30,981,131, T>C. VCF-style: chr16-30981131-T-C. GRCh37 (hg19) VCF-style: chr16-30992452-T-C.
Other names: short protein forms I1588T.
Identifiers: ClinVar variation 3776769 (VCV003776769.1).